The following is an entry in ClinVar:

NM_001134363.3(RBM20):c.3667_3669delinsCAT (p.Glu1223His)

Gene: RBM20 (RNA binding motif protein 20; plus strand). Cytogenetic location: 10q25.2.
Variant type: Indel.
Coding change: c.3667_3669delinsCAT on transcript NM_001134363.3 (MANE Select); coding-DNA positions 3667 to 3669, GAA replaced by CAT.
Protein change: p.Glu1223His; replaces glutamic acid 1223 with histidine.
Molecular consequence: missense variant.
Genome position (GRCh38, 1-based): chr10:110,835,961-110,835,963, GAA replaced by CAT. VCF-style: chr10-110835961-GAA-CAT. GRCh37 (hg19) VCF-style: chr10-112595719-GAA-CAT.
Other names: c.3667_3669delGAAinsCAT, p.Glu1223His (NM_001134363.1); c.3667_3669delinsCAT (NM_001134363.1); short protein forms E1223H.
Identifiers: ClinVar variation 3787514 (VCV003787514.2).
Genomic context (GRCh38, chr10:110,835,961, plus strand): 5'-AAGGAGACCGAGGGGGCAGATAGCCCGAGGCCAGAGGACAGCGGAATCGTGCCACGCTTC[GAA>CAT]AGGAAAAAGCTCTGATGCTTCTGCTTCTGCTGCTACTGCTGCTGCTGCAAGGTTGGAAAG-3'
Protein context (NP_001127835.2, residues 1213-1227): PEDSGIVPRF[Glu1223His]RKKL

ClinVar aggregate classification (germline): Uncertain significance. Review status: criteria provided, multiple submitters, no conflicts (2 of 4 stars). 2 submissions from 2 submitters: Uncertain significance (2). Last evaluated 2026-04-12.

Conditions:
Cardiovascular phenotype. Identifiers: MedGen CN230736.

Submissions (2):

GeneDx
Classification: Uncertain significance. Last evaluated: 2026-04-12. Review status: criteria provided, single submitter. Criteria: GeneDx Variant Classification Process June 2021. Collection method: clinical testing. Allele origin: germline.
Comment: Not observed at significant frequency in large population cohorts (gnomAD); In silico analysis supports a deleterious effect on protein structure/function; Has not been previously published as pathogenic or benign to our knowledge

Ambry Genetics
Classification: Uncertain significance for Cardiovascular phenotype. Last evaluated: 2025-02-14. Review status: criteria provided, single submitter. Criteria: Ambry Variant Classification Scheme 2023. Collection method: clinical testing. Allele origin: germline.
Comment: The c.3667_3669delGAAinsCAT variant, located in coding exon 14 of the RBM20 gene, results from an in-frame deletion of GAA and insertion of CAT at nucleotide positions 3667 to 3669. This results in the substitution of the glutamic acid residue for a histidine residue at codon 1223, an amino acid with highly similar properties. This amino acid position is well conserved in available vertebrate species. In addition, this alteration is predicted to be neutral by in silico analysis (Choi Y et al. PLoS ONE. 2012; 7(10):e46688). Based on the available evidence, the clinical significance of this variant remains unclear.